The following is an entry in ClinVar:

ClinVar aggregate classification (germline): Uncertain significance. Review status: criteria provided, multiple submitters, no conflicts (2 of 4 stars). 3 submissions from 3 submitters: Uncertain significance (3). Last evaluated 2026-04-16.

Conditions:
Inborn genetic diseases. Identifiers: MedGen C0950123, MeSH D030342.
MHC class II deficiency. Also called: Bare lymphocyte syndrome 2; BLS, TYPE II. Identifiers: Orphanet 572, MedGen C5447452, MONDO:0008855.

Submissions (3):

GeneDx
Classification: Uncertain significance. Last evaluated: 2026-04-16. Review status: criteria provided, single submitter. Criteria: GeneDx Variant Classification Process June 2021. Collection method: clinical testing. Allele origin: germline.
Comment: Not observed at significant frequency in large population cohorts (gnomAD); In silico analysis supports that this missense variant has a deleterious effect on protein structure/function; Has not been previously published as pathogenic or benign to our knowledge

Ambry Genetics
Classification: Uncertain significance for Inborn genetic diseases. Last evaluated: 2026-03-10. Review status: criteria provided, single submitter. Criteria: Ambry Variant Classification Scheme 2023. Collection method: clinical testing. Allele origin: germline.

Labcorp Genetics (formerly Invitae), Labcorp
Classification: Uncertain significance for MHC class II deficiency. Last evaluated: 2022-05-12. Review status: criteria provided, single submitter. Criteria: Invitae Variant Classification Sherloc (09022015). Collection method: clinical testing. Allele origin: germline.
Comment: This variant has not been reported in the literature in individuals affected with CIITA-related conditions. In summary, the available evidence is currently insufficient to determine the role of this variant in disease. Therefore, it has been classified as a Variant of Uncertain Significance. Algorithms developed to predict the effect of missense changes on protein structure and function are either unavailable or do not agree on the potential impact of this missense change (SIFT: "Tolerated"; PolyPhen-2: "Possibly Damaging"; Align-GVGD: "Class C0"). This variant is not present in population databases (gnomAD no frequency). This sequence change replaces glycine, which is neutral and non-polar, with arginine, which is basic and polar, at codon 872 of the CIITA protein (p.Gly872Arg).

NM_000246.4(CIITA):c.2614G>A (p.Gly872Arg)

Gene: CIITA (class II major histocompatibility complex transactivator; plus strand). Cytogenetic location: 16p13.13.
Variant type: single nucleotide variant.
Coding change: c.2614G>A on transcript NM_000246.4 (MANE Select); coding-DNA position 2614, G replaced by A.
Protein change: p.Gly872Arg; replaces glycine 872 with arginine.
Molecular consequence: missense variant. On other transcripts: intron variant (1).
Genome position (GRCh38, 1-based): chr16:10,908,106, G>A. VCF-style: chr16-10908106-G-A. GRCh37 (hg19) VCF-style: chr16-11001963-G-A.
Other names: c.2617G>A, p.Gly873Arg (NM_001286402.1, NM_001379332.1); c.2470G>A, p.Gly824Arg (NM_001379330.1); c.2467G>A, p.Gly823Arg (NM_001379331.1); c.2614G>A, p.Gly872Arg (NM_001379333.1); c.2545G>A, p.Gly849Arg (NM_001379334.1); c.860-877G>A (NM_001286403.2); short protein forms G849R, G823R, G824R, G872R, G873R.
Identifiers: ClinVar variation 2042255 (VCV002042255.6), dbSNP rs2544499825, ClinGen allele CA394733977.